The following is an entry in ClinVar:

NM_006343.3(MERTK):c.552C>A (p.Ile184=)

Gene: MERTK (MER proto-oncogene, tyrosine kinase; plus strand). Cytogenetic location: 2q13.
Variant type: single nucleotide variant.
Coding change: c.552C>A on transcript NM_006343.3 (MANE Select); coding-DNA position 552, C replaced by A.
Protein change: p.Ile184=; no amino-acid change (isoleucine 184 retained).
Molecular consequence: synonymous variant.
Genome position (GRCh38, 1-based): chr2:111,945,029, C>A. VCF-style: chr2-111945029-C-A. GRCh37 (hg19) VCF-style: chr2-112702606-C-A.
Other names: c.552C>A (NM_006343.2).
Identifiers: ClinVar variation 1906825 (VCV001906825.7), dbSNP rs148690514, ClinGen allele CA1831078.

ClinVar aggregate classification (germline): Likely benign. Review status: criteria provided, multiple submitters, no conflicts (2 of 4 stars). 3 submissions from 3 submitters: Likely benign (3). Last evaluated 2026-08-28.

Conditions:
MERTK-related disorder. Also called: MERTK-related condition.

Allele frequency attached by ClinVar (database versions not stated): ESP Exome Variant Server 0.00015.
gnomAD v4.1: 14 of 1,613,290 alleles (0.00087%); highest among the groups gnomAD compares: African/African-American, 0.012%; no homozygotes.

Submissions (3):

PreventionGenetics, part of Exact Sciences
Classification: Likely benign for MERTK-related condition. Last evaluated: 2026-08-28. Review status: criteria provided, single submitter. Criteria: ACMG Guidelines, 2015. Collection method: clinical testing. Allele origin: germline.
Comment: This variant is classified as likely benign based on ACMG/AMP sequence variant interpretation guidelines (Richards et al. 2015 PMID: 25741868, with internal and published modifications).

Labcorp Genetics (formerly Invitae), Labcorp
Classification: Likely benign. Last evaluated: 2022-11-08. Review status: criteria provided, single submitter. Criteria: Invitae Variant Classification Sherloc (09022015). Collection method: clinical testing. Allele origin: germline.

Blueprint Genetics
Classification: Likely benign. Last evaluated: 2022-06-24. Review status: criteria provided, single submitter. Criteria: ACMG Guidelines, 2015. Collection method: clinical testing. Allele origin: germline.